The following is an entry in ClinVar:

NM_022051.3(EGLN1):c.392C>T (p.Ala131Val)

Gene: EGLN1 (egl-9 family hypoxia inducible factor 1; minus strand). Cytogenetic location: 1q42.2.
Variant type: single nucleotide variant.
Coding change: c.392C>T on transcript NM_022051.3 (MANE Select); coding-DNA position 392, C replaced by T.
Protein change: p.Ala131Val; replaces alanine 131 with valine.
Molecular consequence: missense variant.
Genome position (GRCh38, 1-based): chr1:231,421,497, G>A on the plus strand (C>T on the coding strand, the complement: EGLN1 is on the minus strand). VCF-style: chr1-231421497-G-A. GRCh37 (hg19) VCF-style: chr1-231557243-G-A.
Other names: c.392C>T, p.Ala131Val (NM_001377260.1, NM_001377261.1); short protein forms A131V.
Identifiers: ClinVar variation 3843881 (VCV003843881.1).

ClinVar aggregate classification (germline): Uncertain significance (1 of 4 stars; one submission).

Submission:

Ambry Genetics
Classification: Uncertain significance. Last evaluated: 2025-01-06. Review status: criteria provided, single submitter. Criteria: Ambry Variant Classification Scheme 2023. Collection method: clinical testing. Allele origin: germline.
Comment: The p.A131V variant (also known as c.392C>T), located in coding exon 1 of the EGLN1 gene, results from a C to T substitution at nucleotide position 392. The alanine at codon 131 is replaced by valine, an amino acid with similar properties. This amino acid position is conserved. In addition, this alteration is predicted to be tolerated by in silico analysis. Based on the available evidence, the clinical significance of this variant remains unclear.